The following is an entry in ClinVar:

ClinVar aggregate classification (germline): Pathogenic/Likely pathogenic. Review status: criteria provided, multiple submitters, no conflicts (2 of 4 stars). 2 submissions from 2 submitters: Pathogenic (1); Likely pathogenic (1). Last evaluated 2023-05-22.

Conditions:
Intellectual developmental disorder, X-linked, syndromic, Raymond type. Also called: Syndromic X-linked intellectual disability Raymond type. Identifiers: MedGen C3275406, MONDO:0010427, OMIM 300799.

Submissions (2):

Labcorp Genetics (formerly Invitae), Labcorp
Classification: Pathogenic for Intellectual developmental disorder, X-linked, syndromic, Raymond type. Last evaluated: 2023-05-22. Review status: criteria provided, single submitter. Criteria: Invitae Variant Classification Sherloc (09022015). Collection method: clinical testing. Allele origin: germline.
Comment: This sequence change creates a premature translational stop signal (p.Ser89Argfs*5) in the ZDHHC9 gene. It is expected to result in an absent or disrupted protein product. Loss-of-function variants in ZDHHC9 are known to be pathogenic (PMID: 17436253, 24357419). This variant is not present in population databases (gnomAD no frequency). This variant has not been reported in the literature in individuals affected with ZDHHC9-related conditions. ClinVar contains an entry for this variant (Variation ID: 1705029). For these reasons, this variant has been classified as Pathogenic.

HudsonAlpha Institute for Biotechnology
Classification: Likely pathogenic for Intellectual developmental disorder, X-linked, syndromic, Raymond type. Last evaluated: 2022-09-01. Review status: criteria provided, single submitter. Criteria: ACMG Guidelines, 2015. Collection method: research. Allele origin: maternal. Affected: yes. Observed: 1 variant allele. Study: CSER-HudsonAlpha.
Comment: ACMG codes:PVS1, PM2

Literature cited by the submitters: PubMed 17436253 (cited by Labcorp Genetics (formerly Invitae), Labcorp); PubMed 24357419 (cited by Labcorp Genetics (formerly Invitae), Labcorp).

NM_016032.4(ZDHHC9):c.267del (p.Ser89fs)

Gene: ZDHHC9 (zDHHC palmitoyltransferase 9; minus strand). Cytogenetic location: Xq26.1.
Variant type: Deletion.
Coding change: c.267del on transcript NM_016032.4 (MANE Select); coding-DNA position 267, one base deleted (T; older notation c.267delT).
Protein change: p.Ser89fs; shifts the reading frame from serine 89.
Molecular consequence: frameshift variant.
Genome position (GRCh38, 1-based): chrX:129,829,042, A deleted on the plus strand (T on the coding strand, the reverse complement: ZDHHC9 is on the minus strand). VCF-style (leftmost placement, unchanged base first): chrX-129829041-CA-C. GRCh37 (hg19) VCF-style: chrX-128963017-CA-C.
Other names: c.267delT (NM_016032.4); c.267del, p.Ser89fs (NM_001008222.3); short protein forms S89fs.
Identifiers: ClinVar variation 1705029 (VCV001705029.4), dbSNP rs2522218770, ClinGen allele CA2580101482.